The following is an entry in ClinVar:

NM_018043.7(ANO1):c.800-574C>A

Gene: ANO1 (anoctamin 1; plus strand). Cytogenetic location: 11q13.3.
Variant type: single nucleotide variant.
Coding change: c.800-574C>A on transcript NM_018043.7 (MANE Select); 574 bases into the intron before coding-DNA position 800, C replaced by A.
Molecular consequence: intron variant. On other transcripts: synonymous variant (2).
Genome position (GRCh38, 1-based): chr11:70,111,133, C>A. VCF-style: chr11-70111133-C-A. GRCh37 (hg19) VCF-style: chr11-69957239-C-A.
Other names: c.930C>A, p.Gly310= (NM_001378092.1); c.807C>A, p.Gly269= (NM_001378095.2); c.800-574C>A (NM_001378093.1, NM_001378094.2, NM_001378096.2); c.701-574C>A (NM_001378097.2).
Identifiers: ClinVar variation 4085586 (VCV004085586.8).

ClinVar aggregate classification (germline): Likely benign (1 of 4 stars; one submission).

gnomAD v4.1: 2 of 456,702 alleles (0.00044%); highest among the groups gnomAD compares: Non-Finnish European, 0.00088%; no homozygotes.

Submission:

CeGaT Center for Human Genetics Tuebingen
Classification: Likely benign. Last evaluated: 2025-07-01. Review status: criteria provided, single submitter. Criteria: CeGaT Center For Human Genetics Tuebingen Variant Classification Criteria Version 2. Collection method: clinical testing. Allele origin: germline. Affected: yes. Observed: 1 variant allele.
Comment: ANO1: BP4, BP7